The following is an entry in ClinVar:

NM_015338.6(ASXL1):c.2695A>C (p.Ile899Leu)

Gene: ASXL1 (ASXL transcriptional regulator 1; plus strand). Cytogenetic location: 20q11.21.
Variant type: single nucleotide variant.
Coding change: c.2695A>C on transcript NM_015338.6 (MANE Select); coding-DNA position 2695, A replaced by C.
Protein change: p.Ile899Leu; replaces isoleucine 899 with leucine.
Molecular consequence: missense variant.
Genome position (GRCh38, 1-based): chr20:32,435,407, A>C. VCF-style: chr20-32435407-A-C. GRCh37 (hg19) VCF-style: chr20-31023210-A-C.
Other names: c.2512A>C, p.Ile838Leu (NM_001363734.1); short protein forms I899L, I838L.
Identifiers: ClinVar variation 4827396 (VCV004827396.1).

ClinVar aggregate classification (germline): Uncertain significance (1 of 4 stars; one submission).

Conditions:
Inborn genetic diseases. Identifiers: MedGen C0950123, MeSH D030342.

Submission:

Ambry Genetics
Classification: Uncertain significance for Inborn genetic diseases. Last evaluated: 2026-03-02. Review status: criteria provided, single submitter. Criteria: Ambry Variant Classification Scheme 2023. Collection method: clinical testing. Allele origin: germline.
Comment: The p.I899L variant (also known as c.2695A>C), located in coding exon 13 of the ASXL1 gene, results from an A to C substitution at nucleotide position 2695. The isoleucine at codon 899 is replaced by leucine, an amino acid with highly similar properties. This amino acid position is conserved. In addition, this alteration is predicted to be tolerated by in silico analysis. Based on the available evidence, the clinical significance of this variant remains unclear.